The following is an entry in ClinVar:

NM_006231.4(POLE):c.6522_6525del (p.Phe2175fs)

Gene: POLE (DNA polymerase epsilon, catalytic subunit; minus strand). Cytogenetic location: 12q24.33.
Variant type: Microsatellite.
Coding change: c.6522_6525del on transcript NM_006231.4 (MANE Select); coding-DNA positions 6522 to 6525, 4 bases deleted (CTTC; older notation c.6522_6525delCTTC).
Protein change: p.Phe2175fs; shifts the reading frame from phenylalanine 2175.
Molecular consequence: frameshift variant.
Genome position (GRCh38, 1-based): chr12:132,626,123-132,626,126, GAAG deleted on the plus strand (CTTC on the coding strand, the reverse complement: POLE is on the minus strand); deleting any 4 consecutive bases within chr12:132,626,123-132,626,130 gives the same sequence; the c. name uses the placement nearest the transcript's 3' end. VCF-style (leftmost placement, unchanged base first): chr12-132626122-AGAAG-A. GRCh37 (hg19) VCF-style: chr12-133202708-AGAAG-A.
Other names: short protein forms F2175fs.
Identifiers: ClinVar variation 3681764 (VCV003681764.2).

ClinVar aggregate classification (germline): Pathogenic (1 of 4 stars; one submission).

Submission:

Labcorp Genetics (formerly Invitae), Labcorp
Classification: Pathogenic. Last evaluated: 2024-09-15. Review status: criteria provided, single submitter. Criteria: Invitae Variant Classification Sherloc (09022015). Collection method: clinical testing. Allele origin: germline.
Comment: This sequence change creates a premature translational stop signal (p.Phe2175Glnfs*26) in the POLE gene. It is expected to result in an absent or disrupted protein product. Loss-of-function variants in POLE are known to be pathogenic (PMID: 23230001, 25948378, 30503519). This variant is not present in population databases (gnomAD no frequency). This variant has not been reported in the literature in individuals affected with POLE-related conditions. For these reasons, this variant has been classified as Pathogenic.

Literature cited by the submitters: PubMed 23230001; PubMed 25948378; PubMed 30503519.